The following is an entry in ClinVar:

ClinVar aggregate classification (germline): Likely benign. Review status: criteria provided, single submitter (1 of 4 stars). 2 submissions from 2 submitters: Likely benign (1). 1 of the submissions does not count toward it. Last evaluated 2025-12-10.

Conditions:
LAMA2-related disorder. Also called: LAMA2-related condition; LAMA2-related disorders.
LAMA2-related muscular dystrophy (LAMA2-RD). Also called: Laminin alpha 2-related dystrophy. Identifiers: MedGen C5679788, MONDO:0100228.

Allele frequency attached by ClinVar (database versions not stated): gnomAD 0.00002; ExAC 0.00006; gnomAD exomes 0.00008.
gnomAD v4.1: 25 of 1,605,792 alleles (0.0016%); highest among the groups gnomAD compares: Admixed American, 0.042%; no homozygotes.

Submissions (2):

Labcorp Genetics (formerly Invitae), Labcorp
Classification: Likely benign for LAMA2-related muscular dystrophy. Last evaluated: 2025-12-10. Review status: criteria provided, single submitter. Criteria: Invitae Variant Classification Sherloc (09022015). Collection method: clinical testing. Allele origin: germline.

PreventionGenetics, part of Exact Sciences
Classification: Likely benign for LAMA2-related condition. Last evaluated: 2019-06-13. Review status: no assertion criteria provided. Collection method: clinical testing. Allele origin: germline. Not counted in ClinVar's aggregate classification.
Comment: This variant is classified as likely benign based on ACMG/AMP sequence variant interpretation guidelines (Richards et al. 2015 PMID: 25741868, with internal and published modifications).

NM_000426.4(LAMA2):c.4164C>T (p.Gly1388=)

Gene: LAMA2 (laminin subunit alpha 2; plus strand). Cytogenetic location: 6q22.33.
Variant type: single nucleotide variant.
Coding change: c.4164C>T on transcript NM_000426.4 (MANE Select); coding-DNA position 4164, C replaced by T.
Protein change: p.Gly1388=; no amino-acid change (glycine 1388 retained).
Molecular consequence: synonymous variant.
Genome position (GRCh38, 1-based): chr6:129,320,643, C>T. VCF-style: chr6-129320643-C-T. GRCh37 (hg19) VCF-style: chr6-129641788-C-T.
Other names: c.4164C>T, p.Gly1388= (NM_001079823.2); c.4164C>T (NM_000426.3).
Identifiers: ClinVar variation 1630867 (VCV001630867.10), dbSNP rs766082530, ClinGen allele CA3993456.